The following is an entry in ClinVar:

ClinVar aggregate classification (germline): Uncertain significance. Review status: criteria provided, multiple submitters, no conflicts (2 of 4 stars). 2 submissions from 2 submitters: Uncertain significance (2). Last evaluated 2026-08-05.

Conditions:
Inborn genetic diseases. Identifiers: MedGen C0950123, MeSH D030342.
USP53-related disorder. Also called: USP53-related condition.

gnomAD v4.1: 10 of 1,614,076 alleles (0.00062%); highest among the groups gnomAD compares: Admixed American, 0.017%; no homozygotes.

Submissions (2):

PreventionGenetics, part of Exact Sciences
Classification: Uncertain significance for USP53-related condition. Last evaluated: 2026-08-05. Review status: criteria provided, single submitter. Criteria: ACMG Guidelines, 2015. Collection method: clinical testing. Allele origin: germline.
Comment: The USP53 c.3073A>G variant is predicted to result in the amino acid substitution p.Ile1025Val. To our knowledge, this variant has not been reported in the literature. This variant is reported in 0.026% of alleles in individuals of Latino descent in gnomAD. At this time, the clinical significance of this variant is uncertain due to the absence of conclusive functional and genetic evidence.

Ambry Genetics
Classification: Uncertain significance for Inborn genetic diseases. Last evaluated: 2025-02-07. Review status: criteria provided, single submitter. Criteria: Ambry Variant Classification Scheme 2023. Collection method: clinical testing. Allele origin: germline.

NM_001371395.1(USP53):c.3073A>G (p.Ile1025Val)

Gene: USP53 (ubiquitin specific peptidase 53; plus strand). Cytogenetic location: 4q26.
Variant type: single nucleotide variant.
Coding change: c.3073A>G on transcript NM_001371395.1 (MANE Select); coding-DNA position 3073, A replaced by G.
Protein change: p.Ile1025Val; replaces isoleucine 1025 with valine.
Molecular consequence: missense variant. On other transcripts: 3 prime UTR variant (4).
Genome position (GRCh38, 1-based): chr4:119,293,062, A>G. VCF-style: chr4-119293062-A-G. GRCh37 (hg19) VCF-style: chr4-120214217-A-G.
Other names: c.2725A>G, p.Ile909Val (NM_001389662.1, NM_001389663.1, NM_001389664.1); c.2572A>G, p.Ile858Val (NM_001389665.1); c.*573A>G (NM_001389666.1, NM_001389667.1, NM_001371397.1 and 1 more transcripts); c.3073A>G, p.Ile1025Val (NM_019050.3, NM_001371399.1, NM_001389658.1 and 1 more transcripts); c.2920A>G, p.Ile974Val (NM_001371396.1, NM_001389661.1); c.2923A>G, p.Ile975Val (NM_001389660.1); short protein forms I974V, I1025V, I909V, I975V, I858V.
Identifiers: ClinVar variation 3814432 (VCV003814432.2).